The following is an entry in ClinVar:

NM_000531.6(OTC):c.626C>G (p.Ala209Gly)

Gene: OTC (ornithine transcarbamylase; plus strand). Cytogenetic location: Xp11.4.
Variant type: single nucleotide variant.
Coding change: c.626C>G on transcript NM_000531.6 (MANE Select); coding-DNA position 626, C replaced by G.
Protein change: p.Ala209Gly; replaces alanine 209 with glycine.
Molecular consequence: missense variant.
Genome position (GRCh38, 1-based): chrX:38,403,703, C>G. VCF-style: chrX-38403703-C-G. GRCh37 (hg19) VCF-style: chrX-38262956-C-G.
Other names: short protein forms A209G.
Identifiers: ClinVar variation 426468 (VCV000426468.11), dbSNP rs72558417, ClinGen allele CA10385899.

ClinVar aggregate classification (germline): Uncertain significance. Review status: criteria provided, multiple submitters, no conflicts (2 of 4 stars). 6 submissions from 6 submitters: Uncertain significance (5). 1 of the submissions does not count toward it. Last evaluated 2024-08-30.

Conditions:
Ornithine carbamoyltransferase deficiency (OTCD). Also called: ORNITHINE TRANSCARBAMYLASE DEFICIENCY; Ornithine Carbamoyltransferase Deficiency Disease; OTC DEFICIENCY; ORNITHINE TRANSCARBAMYLASE DEFICIENCY, HYPERAMMONEMIA DUE TO. Identifiers: Orphanet 664, MedGen C0268542, MONDO:0010703, OMIM 311250.

Allele frequency attached by ClinVar (database versions not stated): TOPMed 0.00005; ExAC 0.00007; gnomAD exomes 0.00006 and 0.00013; gnomAD 0.00008 and 0.00009; ESP Exome Variant Server 0.00009.
gnomAD v4.1: 146 of 1,208,542 alleles (0.012%); highest among the groups gnomAD compares: Non-Finnish European, 0.015%; no homozygotes.

Submissions (6):

All of Us Research Program, National Institutes of Health
Classification: Uncertain significance for Ornithine carbamoyltransferase deficiency. Last evaluated: 2024-08-30. Review status: criteria provided, single submitter. Criteria: ACMG Guidelines, 2015. Collection method: clinical testing. Allele origin: germline. Inheritance: X-linked inheritance. Observed: 17 variant alleles, 14 heterozygotes, 2 homozygotes, 1 hemizygote.
Comment: This missense variant replaces alanine with glycine at codon 209 of the OTC protein. Computational prediction suggests that this variant may have deleterious impact on protein structure and function (internally defined REVEL score threshold >= 0.7, PMID: 27666373). To our knowledge, functional studies have not been reported for this variant. This variant has not been reported in individuals affected with ornithine carbamoyltransferase deficiency in the literature. This variant has been identified in 12/204945 chromosomes in the general population by the Genome Aggregation Database (gnomAD). A different variant occurring at the same amino acid position, p.Ala209Val, is known to be disease-causing (ClinVar variation ID: 97275), indicating that alanine at this position is important for protein function. Due to the lack of available clinical evidence, the role of this variant in disease cannot be determined conclusively. Therefore, this variant is classified as a Variant of Uncertain Significance.

This study involves interpretation of variants in research participants for the purpose of population health screening. Participant phenotype was not available at the time of variant classification. Additional details can be found in publication PMID: 35346344, PMCID: PMC8962531

Labcorp Genetics (formerly Invitae), Labcorp
Classification: Uncertain significance for Ornithine carbamoyltransferase deficiency. Last evaluated: 2024-06-17. Review status: criteria provided, single submitter. Criteria: Invitae Variant Classification Sherloc (09022015). Collection method: clinical testing. Allele origin: germline.
Comment: This sequence change replaces alanine, which is neutral and non-polar, with glycine, which is neutral and non-polar, at codon 209 of the OTC protein (p.Ala209Gly). This variant is present in population databases (rs72558417, gnomAD 0.01%), including at least one homozygous and/or hemizygous individual. This variant has not been reported in the literature in individuals affected with OTC-related conditions. ClinVar contains an entry for this variant (Variation ID: 426468). Advanced modeling of protein sequence and biophysical properties (such as structural, functional, and spatial information, amino acid conservation, physicochemical variation, residue mobility, and thermodynamic stability) performed at Invitae indicates that this missense variant is expected to disrupt OTC protein function with a positive predictive value of 95%. This variant disrupts the p.Ala209 amino acid residue in OTC. Other variant(s) that disrupt this residue have been determined to be pathogenic (PMID: 8530002, 8807340, 9286441, 10070627, 11793468, 12536032, 25433810). This suggests that this residue is clinically significant, and that variants that disrupt this residue are likely to be disease-causing. In summary, the available evidence is currently insufficient to determine the role of this variant in disease. Therefore, it has been classified as a Variant of Uncertain Significance.

Color Diagnostics, LLC DBA Color Health
Classification: Uncertain significance for Ornithine carbamoyltransferase deficiency. Last evaluated: 2024-02-14. Review status: criteria provided, single submitter. Criteria: ACMG Guidelines, 2015. Collection method: clinical testing. Allele origin: germline.
Comment: This missense variant replaces alanine with glycine at codon 209 of the OTC protein. Computational prediction suggests that this variant may have deleterious impact on protein structure and function. To our knowledge, functional studies have not been reported for this variant. This variant has not been reported in individuals affected with ornithine carbamoyltransferase deficiency in the literature. This variant has been identified in 12/204945 chromosomes in the general population by the Genome Aggregation Database (gnomAD). A different variant occurring at the same amino acid position, p.Ala209Val, is known to be disease-causing (ClinVar variation ID: 97275), indicating that alanine at this position is important for protein function. Due to the lack of available clinical evidence, the role of this variant in disease cannot be determined conclusively. Therefore, this variant is classified as a Variant of Uncertain Significance.

Revvity Omics, Revvity
Classification: Uncertain significance for Ornithine carbamoyltransferase deficiency. Last evaluated: 2023-01-17. Review status: criteria provided, single submitter. Criteria: ACMG Guidelines, 2015. Collection method: clinical testing. Allele origin: germline.

GeneDx
Classification: Uncertain significance. Last evaluated: 2017-04-14. Review status: criteria provided, single submitter. Criteria: GeneDx Variant Classification (06012015). Collection method: clinical testing. Allele origin: germline. Affected: yes.
Comment: The A209G variant has not been published as a pathogenic variant, nor has it been reported as a benign variant to our knowledge. However, different amino acid substitutions at the same position (A209V and A209E) have been reported in individuals with biochemical findings consistent with OTC deficiency, supporting the functional importance of this region of the protein (Garcia-Perez et al., 1995; Bailly et al., 2015). However, the A209G variant identified in this individual is observed in 6/47912 (0.013%) alleles from individuals of European background, including one hemizygous individual, in the ExAC dataset (Lek et al., 2016). The A209G variant is a conservative amino acid substitution that occurs at a position that is conserved across species. In silico analysis predicts this variant is probably damaging to the protein structure/function. Therefore, based on the currently available information, it is unclear whether the A209G variant is a pathogenic variant or a rare benign variant.

Natera, Inc.
Classification: Uncertain significance for Ornithine transcarbamylase deficiency. Last evaluated: 2021-03-09. Review status: no assertion criteria provided. Collection method: clinical testing. Allele origin: germline. Not counted in ClinVar's aggregate classification.

Literature cited by the submitters: PubMed 8530002 (cited by Labcorp Genetics (formerly Invitae), Labcorp); PubMed 8807340 (cited by Labcorp Genetics (formerly Invitae), Labcorp); PubMed 9286441 (cited by Labcorp Genetics (formerly Invitae), Labcorp); PubMed 10070627 (cited by Labcorp Genetics (formerly Invitae), Labcorp); PubMed 11793468 (cited by Labcorp Genetics (formerly Invitae), Labcorp); PubMed 12536032 (cited by Labcorp Genetics (formerly Invitae), Labcorp); PubMed 25433810 (cited by Labcorp Genetics (formerly Invitae), Labcorp).